The following is an entry in ClinVar:

NM_000512.5(GALNS):c.708C>T (p.His236=)

Gene: GALNS (galactosamine (N-acetyl)-6-sulfatase; minus strand). Cytogenetic location: 16q24.3.
Variant type: single nucleotide variant.
Coding change: c.708C>T on transcript NM_000512.5 (MANE Select); coding-DNA position 708, C replaced by T.
Protein change: p.His236=; no amino-acid change (histidine 236 retained).
Molecular consequence: synonymous variant.
Genome position (GRCh38, 1-based): chr16:88,835,775, G>A on the plus strand (C>T on the coding strand, the complement: GALNS is on the minus strand). VCF-style: chr16-88835775-G-A. GRCh37 (hg19) VCF-style: chr16-88902183-G-A.
Other names: c.153C>T, p.His51= (NM_001323543.2); c.726C>T, p.His242= (NM_001323544.2).
Identifiers: ClinVar variation 93186 (VCV000093186.25), dbSNP rs1064315, ClinGen allele CA146726.
Genomic context (GRCh38, chr16:88,835,775, plus strand): 5'-CAGGACTCACCGCCCTCGCTGACTGGTGCCCAAGAAGGGTTTGGAGGCATAGACGGGTGC[G>A]TGCGTGGCGTCGACAGCCCAGTAGAGGAAAAAGGGGTGGTGCCGTGCCTGTCTCTTAATG-3'
Protein context (NP_000503.1, residues 226-246): FFLYWAVDAT[His236=]APVYASKPFL

ClinVar aggregate classification (germline): Benign. Review status: criteria provided, multiple submitters, no conflicts (2 of 4 stars). 10 submissions from 10 submitters: Benign (9). 1 of the submissions does not count toward it. Last evaluated 2026-02-04.

Conditions:
Mucopolysaccharidosis, MPS-IV-A (MPS4A). Also called: GALACTOSAMINE-6-SULFATASE DEFICIENCY; GALNS DEFICIENCY; mucopolysaccharidosis type 4A; Mucopolysaccharidosis type IV A; MORQUIO A DISEASE; MPS IVA. Identifiers: Orphanet 309297, Orphanet 582, MedGen C0086651, MONDO:0009659, OMIM 253000.

Allele frequency attached by ClinVar (database versions not stated): ESP Exome Variant Server 0.24046; gnomAD 0.24874 and 0.25392; TOPMed 0.25487; gnomAD exomes 0.25663 and 0.28010; ExAC 0.27636; 1000 Genomes Project 30x 0.31137; 1000 Genomes Project 0.31669.
gnomAD v4.1: 414,960 of 1,613,812 alleles (26%); highest among the groups gnomAD compares: East Asian, 58%; 56,159 homozygotes.

Submissions (10):

Labcorp Genetics (formerly Invitae), Labcorp
Classification: Benign for Mucopolysaccharidosis, MPS-IV-A. Last evaluated: 2026-02-04. Review status: criteria provided, single submitter. Criteria: Invitae Variant Classification Sherloc (09022015). Collection method: clinical testing. Allele origin: germline.

Blueprint Genetics
Classification: Benign. Last evaluated: 2024-11-27. Review status: criteria provided, single submitter. Criteria: ACMG Guidelines, 2015. Collection method: clinical testing. Allele origin: germline.

Genome-Nilou Lab
Classification: Benign for Mucopolysaccharidosis, MPS-IV-A. Last evaluated: 2021-08-10. Review status: criteria provided, single submitter. Criteria: ACMG Guidelines, 2015. Collection method: clinical testing. Allele origin: germline. Affected: no.

Illumina Laboratory Services, Illumina
Classification: Benign for Mucopolysaccharidosis, MPS-IV-A. Last evaluated: 2018-01-12. Review status: criteria provided, single submitter. Criteria: ICSL Variant Classification Criteria 13 December 2019. Collection method: clinical testing. Allele origin: germline.
Comment: This variant was observed in the ICSL laboratory as part of a predisposition screen in an ostensibly healthy population. It had not been previously curated by ICSL or reported in the Human Gene Mutation Database (HGMD: prior to June 1st, 2018), and was therefore a candidate for classification through an automated scoring system. Utilizing variant allele frequency, disease prevalence and penetrance estimates, and inheritance mode, an automated score was calculated to assess if this variant is too frequent to cause the disease. Based on the score and internal cut-off values, a variant classified as benign is not then subjected to further curation. The score for this variant resulted in a classification of benign for this disease.

Eurofins Ntd Llc (ga)
Classification: Benign. Last evaluated: 2017-11-06. Review status: criteria provided, single submitter. Criteria: EGL Classification Definitions 2015. Collection method: clinical testing. Allele origin: germline. Observed: 64 variant alleles, 44 heterozygotes, 20 homozygotes.

Women's Health and Genetics/Laboratory Corporation of America, LabCorp
Classification: Benign. Last evaluated: 2017-10-30. Review status: criteria provided, single submitter. Criteria: LabCorp Variant Classification Summary - May 2015. Collection method: clinical testing. Allele origin: germline.
Comment: Variant summary: The GALNS c.708C>T (p.His236His) variant involves the alteration of a non-conserved nucleotide, resulting in a synonymous change. One in silico tool predicts a polymorphism outcome for this variant. 5/5 splice prediction tools predict no significant impact on normal splicing. ESE finder predicts that this variant may affect ESE sites at the locus. However, these predictions have yet to be confirmed by functional studies. This variant was found in 76918/277000 control chromosomes (509 homozygotes) at a frequency of 0.2776823, which is approximately 136 times the estimated maximal expected allele frequency of a pathogenic GALNS variant (0.0020412), strongly suggesting this variant is likely a benign polymorphism. In addition, multiple clinical diagnostic laboratories/reputable databases classified this variant as benign. Taken together, this variant is classified as benign.

GeneDx
Classification: Benign. Last evaluated: 2015-03-03. Review status: criteria provided, single submitter. Criteria: GeneDx Variant Classification Process June 2021. Collection method: clinical testing. Allele origin: germline. Affected: yes.

Breakthrough Genomics
Classification: Benign. Review status: criteria provided, single submitter. Criteria: ACMG Guidelines, 2015. Collection method: not provided. Allele origin: germline. Inheritance: Autosomal recessive inheritance. Affected: yes.

PreventionGenetics, part of Exact Sciences
Classification: Benign. Review status: criteria provided, single submitter. Criteria: ACMG Guidelines, 2015. Collection method: clinical testing. Allele origin: germline.

Mayo Clinic Laboratories, Mayo Clinic
Classification: Benign. Last evaluated: 2015-10-22. Review status: no assertion criteria provided. Collection method: clinical testing. Allele origin: unknown. Not counted in ClinVar's aggregate classification.

Literature cited by the submitters: PubMed 22521955 (cited by Women's Health and Genetics/Laboratory Corporation of America, LabCorp); PubMed 24726177 (cited by Women's Health and Genetics/Laboratory Corporation of America, LabCorp); PubMed 16378744 (cited by Women's Health and Genetics/Laboratory Corporation of America, LabCorp).